The following is an entry in ClinVar:

ClinVar aggregate classification (germline): Conflicting classifications of pathogenicity. Review status: criteria provided, conflicting classifications (1 of 4 stars). 5 submissions from 5 submitters: Uncertain significance (1); Likely benign (4). Last evaluated 2025-02-02.

Conditions:
Infantile neuroaxonal dystrophy (NBIA2A). Also called: SEITELBERGER DISEASE; NEURODEGENERATION WITH BRAIN IRON ACCUMULATION 2A; Infantile neuroaxonal dystrophy 1. Identifiers: Orphanet 35069, MedGen C0270724, MONDO:0024457, OMIM 256600.
PLA2G6-associated neurodegeneration (PLAN). Also called: phospholipase A2-associated neurodegeneration. Identifiers: Orphanet 329303, MedGen CN204472, MONDO:0017998.
Inborn genetic diseases. Identifiers: MedGen C0950123, MeSH D030342.

Allele frequency attached by ClinVar (database versions not stated): ExAC 0.00005; gnomAD exomes 0.00006 and 0.00012; TOPMed 0.00007; gnomAD 0.00011 and 0.00014.
gnomAD v4.1: 195 of 1,555,858 alleles (0.013%); highest among the groups gnomAD compares: Non-Finnish European, 0.016%; no homozygotes.

Submissions (5):

Labcorp Genetics (formerly Invitae), Labcorp
Classification: Likely benign for Infantile neuroaxonal dystrophy. Last evaluated: 2025-02-02. Review status: criteria provided, single submitter. Criteria: Invitae Variant Classification Sherloc (09022015). Collection method: clinical testing. Allele origin: germline.

Ambry Genetics
Classification: Likely benign for Inborn genetic diseases. Last evaluated: 2024-01-23. Review status: criteria provided, single submitter. Criteria: Ambry Variant Classification Scheme 2023. Collection method: clinical testing. Allele origin: germline.

CeGaT Center for Human Genetics Tuebingen
Classification: Likely benign. Last evaluated: 2022-09-01. Review status: criteria provided, single submitter. Criteria: CeGaT Center For Human Genetics Tuebingen Variant Classification Criteria Version 2. Collection method: clinical testing. Allele origin: germline. Affected: yes. Observed: 1 variant allele.
Comment: PLA2G6: BP4, BP7

Blueprint Genetics
Classification: Likely benign. Last evaluated: 2021-04-14. Review status: criteria provided, single submitter. Criteria: ACMG Guidelines, 2015. Collection method: clinical testing. Allele origin: germline.

Illumina Laboratory Services, Illumina
Classification: Uncertain significance for PLA2G6-associated neurodegeneration. Last evaluated: 2018-01-13. Review status: criteria provided, single submitter. Criteria: ICSL Variant Classification Criteria 13 December 2019. Collection method: clinical testing. Allele origin: germline.

NM_003560.4(PLA2G6):c.2259C>T (p.Val753=)

Gene: PLA2G6 (phospholipase A2 group VI; minus strand). Cytogenetic location: 22q13.1.
Variant type: single nucleotide variant.
Coding change: c.2259C>T on transcript NM_003560.4 (MANE Select); coding-DNA position 2259, C replaced by T.
Protein change: p.Val753=; no amino-acid change (valine 753 retained).
Molecular consequence: synonymous variant.
Genome position (GRCh38, 1-based): chr22:38,112,521, G>A on the plus strand (C>T on the coding strand, the complement: PLA2G6 is on the minus strand). VCF-style: chr22-38112521-G-A. GRCh37 (hg19) VCF-style: chr22-38508528-G-A.
Other names: c.2097C>T, p.Val699= (NM_001004426.3, NM_001199562.3, NM_001349865.2 and 1 more transcripts); c.2259C>T, p.Val753= (NM_001349864.2); c.1725C>T, p.Val575= (NM_001349867.2); c.1581C>T, p.Val527= (NM_001349868.2); c.1563C>T, p.Val521= (NM_001349869.2).
Identifiers: ClinVar variation 341634 (VCV000341634.40), dbSNP rs749966284, ClinGen allele CA10230564.